The following is an entry in ClinVar:

ClinVar aggregate classification (germline): Uncertain significance (1 of 4 stars; one submission).

Conditions:
Dilated cardiomyopathy 1JJ (CMD1JJ). Identifiers: Orphanet 154, MedGen C3808935, MONDO:0014095, OMIM 615235.

Submission:

Labcorp Genetics (formerly Invitae), Labcorp
Classification: Uncertain significance for Dilated cardiomyopathy 1JJ. Last evaluated: 2022-06-24. Review status: criteria provided, single submitter. Criteria: Invitae Variant Classification Sherloc (09022015). Collection method: clinical testing. Allele origin: germline.
Comment: In summary, the available evidence is currently insufficient to determine the role of this variant in disease. Therefore, it has been classified as a Variant of Uncertain Significance. This variant has not been reported in the literature in individuals affected with LAMA4-related conditions. This variant is not present in population databases (gnomAD no frequency). This sequence change creates a premature translational stop signal (p.Cys1633*) in the LAMA4 gene. It is expected to result in an absent or disrupted protein product. However, the current clinical and genetic evidence is not sufficient to establish whether loss-of-function variants in LAMA4 cause disease.

NM_001105206.3(LAMA4):c.4920C>A (p.Cys1640Ter)

Gene: LAMA4 (laminin subunit alpha 4; minus strand). Cytogenetic location: 6q21.
Variant type: single nucleotide variant.
Coding change: c.4920C>A on transcript NM_001105206.3 (MANE Select); coding-DNA position 4920, C replaced by A.
Protein change: p.Cys1640Ter; replaces cysteine 1640 with a stop codon.
Molecular consequence: nonsense.
Genome position (GRCh38, 1-based): chr6:112,117,800, G>T on the plus strand (C>A on the coding strand, the complement: LAMA4 is on the minus strand). VCF-style: chr6-112117800-G-T. GRCh37 (hg19) VCF-style: chr6-112439003-G-T.
Other names: c.4899C>A, p.Cys1633Ter (NM_001105207.3, NM_002290.5); short protein forms C1640*, C1633*.
Identifiers: ClinVar variation 1910304 (VCV001910304.5), dbSNP rs2546971516, ClinGen allele CA365366340.
Genomic context (GRCh38, chr6:112,117,800, plus strand): 5'-TAGAACCACGTATCCTCCTTCTGTTGAAAAGTAAGTTCCTGTTTCCATGGGGCCTTCAAA[G>T]CAAGGGGTCACACTGAATGTCTGAGAAGCAGAGGTGATGGAGGCCCCATTGAGCTGGAGA-3'